The following is an entry in ClinVar:

ClinVar aggregate classification (germline): Uncertain significance (1 of 4 stars; one submission).

gnomAD v4.1: 2 of 1,211,900 alleles (0.00017%); highest among the groups gnomAD compares: Non-Finnish European, 0.00022%; no homozygotes.

Submission:

Women's Health and Genetics/Laboratory Corporation of America, LabCorp
Classification: Uncertain significance. Last evaluated: 2025-06-06. Review status: criteria provided, single submitter. Criteria: LabCorp Variant Classification Summary - May 2015. Collection method: clinical testing. Allele origin: germline.
Comment: Variant summary: F9 c.1030A>G (p.Ile344Val) results in a conservative amino acid change in the encoded protein sequence. Algorithms developed to predict the effect of missense changes on protein structure and function all suggest that this variant is likely to be tolerated. The variant was absent in 183378 control chromosomes. The available data on variant occurrences in the general population are insufficient to allow any conclusion about variant significance. To our knowledge, no occurrence of c.1030A>G in individuals affected with Factor IX Deficiency (Hemophilia B) and no experimental evidence demonstrating its impact on protein function have been reported. No submitters have cited clinical-significance assessments for this variant to ClinVar. Based on the evidence outlined above, the variant was classified as uncertain significance.

NM_000133.4(F9):c.1030A>G (p.Ile344Val)

Gene: F9 (coagulation factor IX; plus strand). Cytogenetic location: Xq27.1.
Variant type: single nucleotide variant.
Coding change: c.1030A>G on transcript NM_000133.4 (MANE Select); coding-DNA position 1030, A replaced by G.
Protein change: p.Ile344Val; replaces isoleucine 344 with valine.
Molecular consequence: missense variant.
Genome position (GRCh38, 1-based): chrX:139,561,715, A>G. VCF-style: chrX-139561715-A-G. GRCh37 (hg19) VCF-style: chrX-138643874-A-G.
Other names: c.916A>G, p.Ile306Val (NM_001313913.2); short protein forms I306V, I344V.
Identifiers: ClinVar variation 3907338 (VCV003907338.1).